The following is an entry in ClinVar:

NM_001267550.2(TTN):c.50520C>T (p.Pro16840=)

Genes: TTN-AS1 (TTN antisense RNA 1; plus strand), TTN (titin; minus strand). Cytogenetic location: 2q31.2.
Variant type: single nucleotide variant.
Coding change: c.50520C>T on transcript NM_001267550.2 (MANE Select); coding-DNA position 50520, C replaced by T.
Protein change: p.Pro16840=; no amino-acid change (proline 16840 retained).
Molecular consequence: synonymous variant.
Genome position (GRCh38, 1-based): chr2:178,611,789, G>A on the plus strand (C>T on the coding strand, the complement: TTN is on the minus strand). VCF-style: chr2-178611789-G-A. GRCh37 (hg19) VCF-style: chr2-179476516-G-A.
Other names: c.42816C>T, p.Pro14272= (NM_133378.4); c.23700C>T, p.Pro7900= (NM_133432.3); c.23901C>T, p.Pro7967= (NM_133437.4); c.45597C>T, p.Pro15199= (NM_001256850.1); c.23325C>T, p.Pro7775= (NM_003319.4).
Identifiers: ClinVar variation 1789735 (VCV001789735.8), dbSNP rs373185065, ClinGen allele CA1994362.

ClinVar aggregate classification (germline): Likely benign. Review status: criteria provided, multiple submitters, no conflicts (2 of 4 stars). 3 submissions from 3 submitters: Likely benign (3). Last evaluated 2025-06-06.

Conditions:
Dilated cardiomyopathy 1G (CMD1G). Identifiers: Orphanet 154, MedGen C1858763, MONDO:0011400, OMIM 604145.
Autosomal recessive limb-girdle muscular dystrophy type 2J (LGMDR10). Also called: Limb-girdle muscular dystrophy, type 2J; MUSCULAR DYSTROPHY, LIMB-GIRDLE, AUTOSOMAL RECESSIVE 10. Identifiers: Orphanet 140922, MedGen C1837342, MONDO:0012127, OMIM 608807.
Cardiovascular phenotype. Identifiers: MedGen CN230736.

Allele frequency attached by ClinVar (database versions not stated): ExAC 0.00001; gnomAD exomes 0.00001; gnomAD 0.00003; TOPMed 0.00003; ESP Exome Variant Server 0.00008.
gnomAD v4.1: 18 of 1,612,414 alleles (0.0011%); highest among the groups gnomAD compares: Non-Finnish European, 0.0015%; no homozygotes.

Submissions (3):

Labcorp Genetics (formerly Invitae), Labcorp
Classification: Likely benign for Dilated cardiomyopathy 1G; Autosomal recessive limb-girdle muscular dystrophy type 2J. Last evaluated: 2025-06-06. Review status: criteria provided, single submitter. Criteria: Invitae Variant Classification Sherloc (09022015). Collection method: clinical testing. Allele origin: germline.

Molecular Diagnostic Laboratory for Inherited Cardiovascular Disease, Montreal Heart Institute
Classification: Likely benign. Last evaluated: 2025-04-09. Review status: criteria provided, single submitter. Criteria: ACMG Guidelines, 2015. Collection method: clinical testing. Allele origin: germline. Affected: no.
Comment: BP6;BP7

Ambry Genetics
Classification: Likely benign for Cardiovascular phenotype. Last evaluated: 2020-03-02. Review status: criteria provided, single submitter. Criteria: Ambry Variant Classification Scheme 2023. Collection method: clinical testing. Allele origin: germline.